The following is an entry in ClinVar:

NM_001080453.3(INTS1):c.1554G>A (p.Gly518=)

Gene: INTS1 (integrator complex subunit 1; minus strand). Cytogenetic location: 7p22.3.
Variant type: single nucleotide variant.
Coding change: c.1554G>A on transcript NM_001080453.3 (MANE Select); coding-DNA position 1554, G replaced by A.
Protein change: p.Gly518=; no amino-acid change (glycine 518 retained).
Molecular consequence: synonymous variant.
Genome position (GRCh38, 1-based): chr7:1,497,186, C>T on the plus strand (G>A on the coding strand, the complement: INTS1 is on the minus strand). VCF-style: chr7-1497186-C-T. GRCh37 (hg19) VCF-style: chr7-1536822-C-T.
Identifiers: ClinVar variation 3256982 (VCV003256982.18).

ClinVar aggregate classification (germline): Likely benign. Review status: criteria provided, multiple submitters, no conflicts (2 of 4 stars). 2 submissions from 2 submitters: Likely benign (2). Last evaluated 2024-08-22.

gnomAD v4.1: 167 of 1,611,332 alleles (0.01%); highest among the groups gnomAD compares: African/African-American, 0.12%; 2 homozygotes.

Submissions (2):

Blueprint Genetics
Classification: Likely benign. Last evaluated: 2024-08-22. Review status: criteria provided, single submitter. Criteria: ACMG Guidelines, 2015. Collection method: clinical testing. Allele origin: germline.

CeGaT Center for Human Genetics Tuebingen
Classification: Likely benign. Last evaluated: 2024-07-01. Review status: criteria provided, single submitter. Criteria: CeGaT Center For Human Genetics Tuebingen Variant Classification Criteria Version 2. Collection method: clinical testing. Allele origin: germline. Affected: yes. Observed: 1 variant allele.
Comment: INTS1: BP4, BP7